The following is an entry in ClinVar:

NM_002180.3(IGHMBP2):c.1015C>T (p.Leu339Phe)

Gene: IGHMBP2 (immunoglobulin mu DNA binding protein 2; plus strand). Cytogenetic location: 11q13.3.
Variant type: single nucleotide variant.
Coding change: c.1015C>T on transcript NM_002180.3 (MANE Select); coding-DNA position 1015, C replaced by T.
Protein change: p.Leu339Phe; replaces leucine 339 with phenylalanine.
Molecular consequence: missense variant.
Genome position (GRCh38, 1-based): chr11:68,917,838, C>T. VCF-style: chr11-68917838-C-T. GRCh37 (hg19) VCF-style: chr11-68685306-C-T.
Other names: short protein forms L339F.
Identifiers: ClinVar variation 305841 (VCV000305841.24), dbSNP rs149045005, ClinGen allele CA6153473.

ClinVar aggregate classification (germline): Conflicting classifications of pathogenicity. Review status: criteria provided, conflicting classifications (1 of 4 stars). 6 submissions from 6 submitters: Uncertain significance (5); Likely benign (1). Last evaluated 2025-10-13.

Conditions:
Charcot-Marie-Tooth disease axonal type 2S. Also called: CHARCOT-MARIE-TOOTH NEUROPATHY, TYPE 2S; CHARCOT-MARIE-TOOTH DISEASE, AXONAL, AUTOSOMAL RECESSIVE, TYPE 2S. Identifiers: Orphanet 443073, MedGen C4015349, MONDO:0014511, OMIM 616155.
Autosomal recessive distal spinal muscular atrophy 1. Also called: HMN VI; NEURONOPATHY, SEVERE INFANTILE AXONAL, WITH RESPIRATORY FAILURE; SEVERE INFANTILE AXONAL NEUROPATHY WITH RESPIRATORY FAILURE; SPINAL MUSCULAR ATROPHY, DIAPHRAGMATIC; Spinal muscular atrophy with respiratory distress 1; NEURONOPATHY, DISTAL HEREDITARY MOTOR, HARDING TYPE VI. Identifiers: Orphanet 98920, MedGen C1858517, MONDO:0011436, OMIM 604320.
Charcot-Marie-Tooth disease. Also called: Charcot-Marie-Tooth Neuropathy; Charcot-Marie-Tooth Hereditary Neuropathy. Identifiers: Orphanet 166, MedGen C0007959, MONDO:0015626.
Inborn genetic diseases. Identifiers: MedGen C0950123, MeSH D030342.

Allele frequency attached by ClinVar (database versions not stated): gnomAD 0.00015 and 0.00016; ExAC 0.00018; 1000 Genomes Project 0.00020; TOPMed 0.00022; gnomAD exomes 0.00025 and 0.00031; 1000 Genomes Project 30x 0.00031; ESP Exome Variant Server 0.00031.
gnomAD v4.1: 470 of 1,614,148 alleles (0.029%); highest among the groups gnomAD compares: Admixed American, 0.07%; 2 homozygotes.

Submissions (6):

Labcorp Genetics (formerly Invitae), Labcorp
Classification: Likely benign for Autosomal recessive distal spinal muscular atrophy 1; Charcot-Marie-Tooth disease axonal type 2S. Last evaluated: 2025-10-13. Review status: criteria provided, single submitter. Criteria: Invitae Variant Classification Sherloc (09022015). Collection method: clinical testing. Allele origin: germline.

Revvity Omics, Revvity
Classification: Uncertain significance. Last evaluated: 2022-07-05. Review status: criteria provided, single submitter. Criteria: ACMG Guidelines, 2015. Collection method: clinical testing. Allele origin: germline.

Ambry Genetics
Classification: Uncertain significance for Inborn genetic diseases. Last evaluated: 2020-10-08. Review status: criteria provided, single submitter. Criteria: Ambry Variant Classification Scheme 2023. Collection method: clinical testing. Allele origin: germline.
Comment: The p.L339F variant (also known as c.1015C>T), located in coding exon 7 of the IGHMBP2 gene, results from a C to T substitution at nucleotide position 1015. The leucine at codon 339 is replaced by phenylalanine, an amino acid with highly similar properties. This amino acid position is not well conserved in available vertebrate species. In addition, this alteration is predicted to be tolerated by in silico analysis. Since supporting evidence is limited at this time, the clinical significance of this alteration remains unclear.

Mayo Clinic Laboratories, Mayo Clinic
Classification: Uncertain significance. Last evaluated: 2019-09-25. Review status: criteria provided, single submitter. Criteria: ACMG Guidelines, 2015. Collection method: clinical testing. Allele origin: germline. Observed: 1 variant allele.

Illumina Laboratory Services, Illumina
Classification: Uncertain significance for Autosomal recessive distal spinal muscular atrophy 1. Last evaluated: 2018-01-12. Review status: criteria provided, single submitter. Criteria: ICSL Variant Classification Criteria 13 December 2019. Collection method: clinical testing. Allele origin: germline.

Molecular Genetics Laboratory, London Health Sciences Centre
Classification: Uncertain significance for Charcot-Marie-Tooth disease. Review status: criteria provided, single submitter. Criteria: ACMG Guidelines, 2015. Collection method: clinical testing. Allele origin: germline. Affected: yes.